The following is an entry in ClinVar:

NM_001042424.3(NSD2):c.902C>T (p.Ala301Val)

Gene: NSD2 (nuclear receptor binding SET domain protein 2; plus strand). Cytogenetic location: 4p16.3.
Variant type: single nucleotide variant.
Coding change: c.902C>T on transcript NM_001042424.3 (MANE Select); coding-DNA position 902, C replaced by T.
Protein change: p.Ala301Val; replaces alanine 301 with valine.
Molecular consequence: missense variant.
Genome position (GRCh38, 1-based): chr4:1,917,012, C>T. VCF-style: chr4-1917012-C-T. GRCh37 (hg19) VCF-style: chr4-1918739-C-T.
Other names: c.902C>T, p.Ala301Val (NM_007331.2, NM_133330.3, NM_133331.3 and 2 more transcripts); short protein forms A301V.
Identifiers: ClinVar variation 3340678 (VCV003340678.2).

ClinVar aggregate classification (germline): Uncertain significance (1 of 4 stars; one submission).

Submission:

GeneDx
Classification: Uncertain significance. Last evaluated: 2025-03-03. Review status: criteria provided, single submitter. Criteria: GeneDx Variant Classification Process June 2021. Collection method: clinical testing. Allele origin: germline.
Comment: Not observed at significant frequency in large population cohorts (gnomAD); In silico analysis suggests that this missense variant does not alter protein structure/function, but splice predictors indicate that the variant may lead to abnormal gene splicing; Has not been previously published as pathogenic or benign to our knowledge